The following is an entry in ClinVar:

NC_000016.9:g.(?_3817701)_(3817930_?)dup

Gene: CREBBP (CREB binding lysine acetyltransferase; minus strand). Cytogenetic location: 16p13.3.
Variant type: Duplication.
Identifiers: ClinVar variation 583499 (VCV000583499.8).

ClinVar aggregate classification (germline): Pathogenic (1 of 4 stars; one submission).

Conditions:
Rubinstein-Taybi syndrome (RSTS). Identifiers: Orphanet 783, MedGen C0035934, MONDO:0019188.

Submission:

Labcorp Genetics (formerly Invitae), Labcorp
Classification: Pathogenic for Rubinstein-Taybi syndrome. Last evaluated: 2018-07-03. Review status: criteria provided, single submitter. Criteria: Invitae Variant Classification Sherloc (09022015). Collection method: clinical testing. Allele origin: germline.
Comment: This variant results in a copy number gain of the genomic region encompassing exon 16 of the CREBBP gene. While the exact position of this variant cannot be determined from this data, sub-genic copy number gains are generally in tandem (PMID: 25640679) and may result in an absent or disrupted protein product. For these reasons, this variant has been classified as Pathogenic. Loss-of-function variants in CREBBP are known to be pathogenic (PMID: 17052327, 18792986).

Literature cited by the submitters: PubMed 25640679; PubMed 17052327; PubMed 18792986.